The following is an entry in ClinVar:

NM_033453.4(ITPA):c.489G>T (p.Thr163=)

Gene: ITPA (inosine triphosphatase; plus strand). Cytogenetic location: 20p13.
Variant type: single nucleotide variant.
Coding change: c.489G>T on transcript NM_033453.4 (MANE Select); coding-DNA position 489, G replaced by T.
Protein change: p.Thr163=; no amino-acid change (threonine 163 retained).
Molecular consequence: synonymous variant. On other transcripts: non-coding transcript variant (2), intron variant (1), missense variant (5).
Genome position (GRCh38, 1-based): chr20:3,223,366, G>T. VCF-style: chr20-3223366-G-T. GRCh37 (hg19) VCF-style: chr20-3204012-G-T.
Other names: c.615G>T, p.Thr205= (NM_001424409.1); c.438G>T, p.Thr146= (NM_181493.4); c.412-3317G>T (NM_001324240.2); c.366G>T, p.Thr122= (NM_001267623.2); c.152G>T, p.Arg51Leu (NM_001324236.2, NM_001324237.2, NM_001324238.2 and 1 more transcripts); c.536G>T, p.Arg179Leu (NM_001424408.1); short protein forms R179L, R51L.
Identifiers: ClinVar variation 2652168 (VCV002652168.24), dbSNP rs1260228188, ClinGen allele CA509411690.

ClinVar aggregate classification (germline): Likely benign (1 of 4 stars; one submission).

Allele frequency attached by ClinVar (database versions not stated): TOPMed below 0.00001.

Submission:

CeGaT Center for Human Genetics Tuebingen
Classification: Likely benign. Last evaluated: 2022-06-01. Review status: criteria provided, single submitter. Criteria: CeGaT Center For Human Genetics Tuebingen Variant Classification Criteria Version 2. Collection method: clinical testing. Allele origin: germline. Affected: yes. Observed: 1 variant allele.
Comment: ITPA: PM2:Supporting, BP4, BP7